The following is an entry in ClinVar:

NM_001374828.1(ARID1B):c.3231G>A (p.Ser1077=)

Gene: ARID1B (AT-rich interaction domain 1B; plus strand). Cytogenetic location: 6q25.3.
Variant type: single nucleotide variant.
Coding change: c.3231G>A on transcript NM_001374828.1 (MANE Select); coding-DNA position 3231, G replaced by A.
Protein change: p.Ser1077=; no amino-acid change (serine 1077 retained).
Molecular consequence: synonymous variant.
Genome position (GRCh38, 1-based): chr6:157,167,181, G>A. VCF-style: chr6-157167181-G-A. GRCh37 (hg19) VCF-style: chr6-157488315-G-A.
Other names: c.732G>A, p.Ser244= (NM_001363725.2); c.3270G>A, p.Ser1090= (NM_001371656.1, NM_001374820.1); c.3231G>A, p.Ser1077= (NM_017519.3).
Identifiers: ClinVar variation 3387936 (VCV003387936.15).

ClinVar aggregate classification (germline): Likely benign. Review status: criteria provided, multiple submitters, no conflicts (2 of 4 stars). 2 submissions from 2 submitters: Likely benign (2). Last evaluated 2024-11-01.

gnomAD v4.1: 27 of 1,605,848 alleles (0.0017%); highest among the groups gnomAD compares: Middle Eastern, 0.016%; no homozygotes.

Submissions (2):

CeGaT Center for Human Genetics Tuebingen
Classification: Likely benign. Last evaluated: 2024-11-01. Review status: criteria provided, single submitter. Criteria: CeGaT Center For Human Genetics Tuebingen Variant Classification Criteria Version 2. Collection method: clinical testing. Allele origin: germline. Affected: yes. Observed: 1 variant allele.
Comment: ARID1B: BP4, BP7

Blueprint Genetics
Classification: Likely benign. Last evaluated: 2023-07-24. Review status: criteria provided, single submitter. Criteria: ACMG Guidelines, 2015. Collection method: clinical testing. Allele origin: germline.